The following is an entry in ClinVar:

ClinVar aggregate classification (germline): Likely benign (0 of 4 stars; one submission).

Conditions:
NDN-related disorder. Also called: NDN-related condition.

Allele frequency attached by ClinVar (database versions not stated): ExAC 0.00001; gnomAD 0.00001; gnomAD exomes 0.00004.

Submission:

PreventionGenetics, part of Exact Sciences
Classification: Likely benign for NDN-related condition. Last evaluated: 2019-03-18. Review status: no assertion criteria provided. Collection method: clinical testing. Allele origin: germline.
Comment: This variant is classified as likely benign based on ACMG/AMP sequence variant interpretation guidelines (Richards et al. 2015 PMID: 25741868, with internal and published modifications).

NM_002487.3(NDN):c.723A>G (p.Gln241=)

Gene: NDN (necdin, MAGE family member; minus strand). Cytogenetic location: 15q11.2.
Variant type: single nucleotide variant.
Coding change: c.723A>G on transcript NM_002487.3 (MANE Select); coding-DNA position 723, A replaced by G.
Protein change: p.Gln241=; no amino-acid change (glutamine 241 retained).
Molecular consequence: synonymous variant.
Genome position (GRCh38, 1-based): chr15:23,686,495, T>C on the plus strand (A>G on the coding strand, the complement: NDN is on the minus strand). VCF-style: chr15-23686495-T-C. GRCh37 (hg19) VCF-style: chr15-23931642-T-C.
Identifiers: ClinVar variation 3057785 (VCV003057785.2), dbSNP rs774758735, ClinGen allele CA7430193.